The following is an entry in ClinVar:

NM_001374828.1(ARID1B):c.2622G>T (p.Gln874His)

Gene: ARID1B (AT-rich interaction domain 1B; plus strand). Cytogenetic location: 6q25.3.
Variant type: single nucleotide variant.
Coding change: c.2622G>T on transcript NM_001374828.1 (MANE Select); coding-DNA position 2622, G replaced by T.
Protein change: p.Gln874His; replaces glutamine 874 with histidine.
Molecular consequence: missense variant. On other transcripts: intron variant (1).
Genome position (GRCh38, 1-based): chr6:157,133,068, G>T. VCF-style: chr6-157133068-G-T. GRCh37 (hg19) VCF-style: chr6-157454202-G-T.
Other names: c.123G>T, p.Gln41His (NM_001363725.2, NM_001438488.1); c.2661G>T, p.Gln887His (NM_001371656.1, NM_001374820.1); c.2622G>T, p.Gln874His (NM_001438482.1, NM_017519.3); c.2664G>T, p.Gln888His (NM_001438483.1, NM_001438486.1); c.2532G>T, p.Gln844His (NM_001438485.1); c.2582-15556G>T (NM_001438487.1); short protein forms Q41H, Q844H, Q874H, Q887H, Q888H.
Identifiers: ClinVar variation 4084925 (VCV004084925.8).

ClinVar aggregate classification (germline): Likely benign (1 of 4 stars; one submission).

gnomAD v4.1: 11 of 1,613,550 alleles (0.00068%); highest among the groups gnomAD compares: Non-Finnish European, 0.00093%; no homozygotes.

Submission:

CeGaT Center for Human Genetics Tuebingen
Classification: Likely benign. Last evaluated: 2025-08-01. Review status: criteria provided, single submitter. Criteria: CeGaT Center For Human Genetics Tuebingen Variant Classification Criteria Version 2. Collection method: clinical testing. Allele origin: germline. Affected: yes. Observed: 1 variant allele.
Comment: ARID1B: BP1, BP4